The following is an entry in ClinVar:

NM_033448.3(KRT71):c.628C>T (p.Arg210Trp)

Gene: KRT71 (keratin 71; minus strand). Cytogenetic location: 12q13.13.
Variant type: single nucleotide variant.
Coding change: c.628C>T on transcript NM_033448.3 (MANE Select); coding-DNA position 628, C replaced by T.
Protein change: p.Arg210Trp; replaces arginine 210 with tryptophan.
Molecular consequence: missense variant.
Genome position (GRCh38, 1-based): chr12:52,550,057, G>A on the plus strand (C>T on the coding strand, the complement: KRT71 is on the minus strand). VCF-style: chr12-52550057-G-A. GRCh37 (hg19) VCF-style: chr12-52943841-G-A.
Other names: short protein forms R210W.
Identifiers: ClinVar variation 1415961 (VCV001415961.6), dbSNP rs780977717, ClinGen allele CA237249211.

ClinVar aggregate classification (germline): Uncertain significance (1 of 4 stars; one submission).

gnomAD v4.1: 10 of 1,613,948 alleles (0.00062%); highest among the groups gnomAD compares: East Asian, 0.0022%; no homozygotes.

Submission:

Labcorp Genetics (formerly Invitae), Labcorp
Classification: Uncertain significance. Last evaluated: 2024-02-17. Review status: criteria provided, single submitter. Criteria: Invitae Variant Classification Sherloc (09022015). Collection method: clinical testing. Allele origin: germline.
Comment: This sequence change replaces arginine, which is basic and polar, with tryptophan, which is neutral and slightly polar, at codon 210 of the KRT71 protein (p.Arg210Trp). This variant is not present in population databases (gnomAD no frequency). This variant has not been reported in the literature in individuals affected with KRT71-related conditions. ClinVar contains an entry for this variant (Variation ID: 1415961). Advanced modeling of protein sequence and biophysical properties (such as structural, functional, and spatial information, amino acid conservation, physicochemical variation, residue mobility, and thermodynamic stability) performed at Invitae indicates that this missense variant is expected to disrupt KRT71 protein function with a positive predictive value of 80%. In summary, the available evidence is currently insufficient to determine the role of this variant in disease. Therefore, it has been classified as a Variant of Uncertain Significance.